The following is an entry in ClinVar:

ClinVar aggregate classification (germline): Conflicting classifications of pathogenicity. Review status: criteria provided, conflicting classifications (1 of 4 stars). 2 submissions from 2 submitters: Uncertain significance (1); Likely benign (1). Last evaluated 2024-05-14.

Conditions:
Lissencephaly 9 with complex brainstem malformation. Identifiers: Orphanet 572013, MedGen C5193029, MONDO:0032677, OMIM 618325.
Inborn genetic diseases. Identifiers: MedGen C0950123, MeSH D030342.

Allele frequency attached by ClinVar (database versions not stated): ExAC 0.00001; gnomAD exomes 0.00001; TOPMed 0.00001.
gnomAD v4.1: 10 of 1,614,090 alleles (0.00062%); highest among the groups gnomAD compares: Admixed American, 0.005%; no homozygotes.

Submissions (2):

Ambry Genetics
Classification: Likely benign for Inborn genetic diseases. Last evaluated: 2024-05-14. Review status: criteria provided, single submitter. Criteria: Ambry Variant Classification Scheme 2023. Collection method: clinical testing. Allele origin: germline.

Baylor Genetics
Classification: Uncertain significance for Lissencephaly 9 with complex brainstem malformation. Last evaluated: 2019-09-06. Review status: criteria provided, single submitter. Criteria: ACMG Guidelines, 2015. Collection method: clinical testing. Allele origin: unknown. Affected: yes.
Comment: This variant was determined to be of uncertain significance according to ACMG Guidelines, 2015 [PMID:25741868].

NM_001394062.1(MACF1):c.4099C>T (p.Arg1367Cys)

Gene: MACF1 (microtubule actin crosslinking factor 1; plus strand). Cytogenetic location: 1p34.3.
Variant type: single nucleotide variant.
Coding change: c.4099C>T on transcript NM_001394062.1 (MANE Select); coding-DNA position 4099, C replaced by T.
Protein change: p.Arg1367Cys; replaces arginine 1367 with cysteine.
Molecular consequence: missense variant.
Genome position (GRCh38, 1-based): chr1:39,322,677, C>T. VCF-style: chr1-39322677-C-T. GRCh37 (hg19) VCF-style: chr1-39788349-C-T.
Other names: c.4114C>T, p.Arg1372Cys (NM_012090.5); c.4114C>T (NM_012090.4); short protein forms R1372C, R1367C.
Identifiers: ClinVar variation 1031174 (VCV001031174.2), dbSNP rs771527845, ClinGen allele CA780185.